The following is an entry in ClinVar:

ClinVar aggregate classification (germline): Uncertain significance (1 of 4 stars; one submission).

Conditions:
Combined immunodeficiency due to ORAI1 deficiency. Also called: IMMUNODEFICIENCY 9. Identifiers: Orphanet 169090, Orphanet 317428, MedGen C2748568, MONDO:0013007, OMIM 612782.
Myopathy, tubular aggregate, 2 (TAM2). Identifiers: MedGen C4014557, MONDO:0014383, OMIM 615883.

Allele frequency attached by ClinVar (database versions not stated): gnomAD exomes below 0.00001.

Submission:

Labcorp Genetics (formerly Invitae), Labcorp
Classification: Uncertain significance for Myopathy, tubular aggregate, 2; Combined immunodeficiency due to ORAI1 deficiency. Last evaluated: 2022-11-28. Review status: criteria provided, single submitter. Criteria: Invitae Variant Classification Sherloc (09022015). Collection method: clinical testing. Allele origin: germline.
Comment: In summary, the available evidence is currently insufficient to determine the role of this variant in disease. Therefore, it has been classified as a Variant of Uncertain Significance. Experimental studies and prediction algorithms are not available or were not evaluated, and the functional significance of this variant is currently unknown. This variant has not been reported in the literature in individuals affected with ORAI1-related conditions. This variant is not present in population databases (gnomAD no frequency). This sequence change replaces serine, which is neutral and polar, with cysteine, which is neutral and slightly polar, at codon 27 of the ORAI1 protein (p.Ser27Cys).

NM_032790.4(ORAI1):c.79A>T (p.Ser27Cys)

Genes: ORAI1 (ORAI calcium release-activated calcium modulator 1; plus strand), LOC130008987 (ATAC-STARR-seq lymphoblastoid silent region 4981; plus strand). Cytogenetic location: 12q24.31.
Variant type: single nucleotide variant.
Coding change: c.79A>T on transcript NM_032790.4 (MANE Select); coding-DNA position 79, A replaced by T.
Protein change: p.Ser27Cys; replaces serine 27 with cysteine.
Molecular consequence: missense variant. On other transcripts: non-coding transcript variant (1).
Genome position (GRCh38, 1-based): chr12:121,626,821, A>T. VCF-style: chr12-121626821-A-T. GRCh37 (hg19) VCF-style: chr12-122064726-A-T.
Other names: short protein forms S27C.
Identifiers: ClinVar variation 2923314 (VCV002923314.3), dbSNP rs1433032971, ClinGen allele CA386980442.